The following is an entry in ClinVar:

NM_004859.4(CLTC):c.300G>C (p.Lys100Asn)

Gene: CLTC (clathrin heavy chain; plus strand). Cytogenetic location: 17q23.1.
Variant type: single nucleotide variant.
Coding change: c.300G>C on transcript NM_004859.4 (MANE Select); coding-DNA position 300, G replaced by C.
Protein change: p.Lys100Asn; replaces lysine 100 with asparagine.
Molecular consequence: missense variant.
Genome position (GRCh38, 1-based): chr17:59,647,447, G>C. VCF-style: chr17-59647447-G-C. GRCh37 (hg19) VCF-style: chr17-57724808-G-C.
Other names: c.312G>C, p.Lys104Asn (NM_001288653.2); short protein forms K100N, K104N.
Identifiers: ClinVar variation 3765761 (VCV003765761.1).

ClinVar aggregate classification (germline): Uncertain significance (1 of 4 stars; one submission).

Submission:

Greenwood Genetic Center Diagnostic Laboratories, Greenwood Genetic Center
Classification: Uncertain significance. Last evaluated: 2024-11-11. Review status: criteria provided, single submitter. Criteria: ACMG Guidelines, 2015. Collection method: clinical testing. Allele origin: germline. Affected: yes.
Comment: PM2, BP4, PP2